The following is an entry in ClinVar:

ClinVar aggregate classification (germline): Uncertain significance (1 of 4 stars; one submission).

Allele frequency attached by ClinVar (database versions not stated): gnomAD exomes below 0.00001; gnomAD 0.00001; TOPMed 0.00001.
gnomAD v4.1: 3 of 1,610,582 alleles (0.00019%); highest among the groups gnomAD compares: Non-Finnish European, 0.00025%; no homozygotes.

Submission:

GeneDx
Classification: Uncertain significance. Last evaluated: 2017-07-14. Review status: criteria provided, single submitter. Criteria: GeneDx Variant Classification (06012015). Collection method: clinical testing. Allele origin: germline. Affected: yes.
Comment: The R303C variant in the MICU1 gene has not been reported previously as a pathogenic variant, nor as a benign variant, to our knowledge. The R303C variant is not observed in large population cohorts (Lek et al., 2016; 1000 Genomes Consortium et al., 2015; Exome Variant Server). The R303C variant is a non-conservative amino acid substitution, which is likely to impact secondary protein structure as these residues differ in polarity, charge, size and/or other properties. This substitution occurs at a position that is conserved across species. In silico analysis predicts this variant is probably damaging to the protein structure/function. We interpret R303C as a variant of uncertain significance.

NM_001195518.2(MICU1):c.901C>T (p.Arg301Cys)

Gene: MICU1 (mitochondrial calcium uptake 1; minus strand). Cytogenetic location: 10q22.1.
Variant type: single nucleotide variant.
Coding change: c.901C>T on transcript NM_001195518.2 (MANE Select); coding-DNA position 901, C replaced by T.
Protein change: p.Arg301Cys; replaces arginine 301 with cysteine.
Molecular consequence: missense variant.
Genome position (GRCh38, 1-based): chr10:72,475,132, G>A on the plus strand (C>T on the coding strand, the complement: MICU1 is on the minus strand). VCF-style: chr10-72475132-G-A. GRCh37 (hg19) VCF-style: chr10-74234890-G-A.
Other names: c.307C>T, p.Arg103Cys (NM_001195519.2); c.919C>T, p.Arg307Cys (NM_001363513.2); c.907C>T, p.Arg303Cys (NM_006077.4); short protein forms R303C, R103C, R307C, R301C.
Identifiers: ClinVar variation 450343 (VCV000450343.2), dbSNP rs1273886147, ClinGen allele CA377392649.